The following is an entry in ClinVar:

ClinVar aggregate classification (germline): Likely pathogenic (1 of 4 stars; one submission).

Submission:

Labcorp Genetics (formerly Invitae), Labcorp
Classification: Likely pathogenic. Last evaluated: 2025-09-25. Review status: criteria provided, single submitter. Criteria: Invitae Variant Classification Sherloc (09022015). Collection method: clinical testing. Allele origin: germline.
Comment: This sequence change affects a donor splice site in intron 44 of the ATR gene. It is expected to disrupt RNA splicing. Variants that disrupt the donor or acceptor splice site typically lead to a loss of protein function (PMID: 16199547), and loss-of-function variants in ATR are known to be pathogenic (PMID: 21228398, 23144622). This variant is not present in population databases (gnomAD no frequency). This variant has not been reported in the literature in individuals affected with ATR-related conditions. Algorithms developed to predict the effect of sequence changes on RNA splicing suggest that this variant may disrupt the consensus splice site. In summary, the currently available evidence indicates that the variant is pathogenic, but additional data are needed to prove that conclusively. Therefore, this variant has been classified as Likely Pathogenic.

Literature cited by the submitters: PubMed 16199547; PubMed 21228398; PubMed 23144622.

NM_001184.4(ATR):c.7503+1G>T

Gene: ATR (ATR checkpoint kinase; minus strand). Cytogenetic location: 3q23.
Variant type: single nucleotide variant.
Coding change: c.7503+1G>T on transcript NM_001184.4 (MANE Select); the canonical splice donor site of the intron after coding-DNA position 7503, G replaced by T.
Molecular consequence: splice donor variant.
Genome position (GRCh38, 1-based): chr3:142,458,957, C>A on the plus strand (G>T on the coding strand, the complement: ATR is on the minus strand). VCF-style: chr3-142458957-C-A. GRCh37 (hg19) VCF-style: chr3-142177799-C-A.
Other names: c.7311+1G>T (NM_001354579.2).
Identifiers: ClinVar variation 4720365 (VCV004720365.1).
Genomic context (GRCh38, chr3:142,458,957, plus strand): 5'-GTTGTTGAGAAAAGGAAATTGAGAGAAAACACAATTAGTAAGAGTAACTCATATCACATA[C>A]CTTATTGAAAAGACAATTGAAATCTACATGTACGCATTCACCAGTCAAAGAATCAAAGAG-3'